The following is an entry in ClinVar:

NM_001349253.2(SCN11A):c.547T>G (p.Phe183Val)

Gene: SCN11A (sodium voltage-gated channel alpha subunit 11; minus strand). Cytogenetic location: 3p22.2.
Variant type: single nucleotide variant.
Coding change: c.547T>G on transcript NM_001349253.2 (MANE Select); coding-DNA position 547, T replaced by G.
Protein change: p.Phe183Val; replaces phenylalanine 183 with valine.
Molecular consequence: missense variant.
Genome position (GRCh38, 1-based): chr3:38,926,873, A>C on the plus strand (T>G on the coding strand, the complement: SCN11A is on the minus strand). VCF-style: chr3-38926873-A-C. GRCh37 (hg19) VCF-style: chr3-38968364-A-C.
Other names: c.547T>G, p.Phe183Val (NM_014139.3); short protein forms F183V.
Identifiers: ClinVar variation 2937154 (VCV002937154.3), dbSNP rs1165060835, ClinGen allele CA352173807.

ClinVar aggregate classification (germline): Uncertain significance (1 of 4 stars; one submission).

Conditions:
Familial episodic pain syndrome with predominantly lower limb involvement. Also called: Episodic pain syndrome, familial, 3. Identifiers: Orphanet 391384, Orphanet 391392, MedGen C3809899, MONDO:0014247, OMIM 615552.
Hereditary sensory and autonomic neuropathy type 7. Also called: HSAN VII; Neuropathy, hereditary sensory and autonomic, type VII. Identifiers: Orphanet 391397, MedGen C3809882, MONDO:0014244, OMIM 615548.

Allele frequency attached by ClinVar (database versions not stated): gnomAD exomes below 0.00001.
gnomAD v4.1: 2 of 1,613,258 alleles (0.00012%); highest among the groups gnomAD compares: Admixed American, 0.0017%; no homozygotes.

Submission:

Labcorp Genetics (formerly Invitae), Labcorp
Classification: Uncertain significance for Familial episodic pain syndrome with predominantly lower limb involvement; Hereditary sensory and autonomic neuropathy type 7. Last evaluated: 2023-12-04. Review status: criteria provided, single submitter. Criteria: Invitae Variant Classification Sherloc (09022015). Collection method: clinical testing. Allele origin: germline.
Comment: This sequence change replaces phenylalanine, which is neutral and non-polar, with valine, which is neutral and non-polar, at codon 183 of the SCN11A protein (p.Phe183Val). This variant is present in population databases (no rsID available, gnomAD 0.003%). This variant has not been reported in the literature in individuals affected with SCN11A-related conditions. Advanced modeling of protein sequence and biophysical properties (such as structural, functional, and spatial information, amino acid conservation, physicochemical variation, residue mobility, and thermodynamic stability) performed at Invitae indicates that this missense variant is not expected to disrupt SCN11A protein function with a negative predictive value of 80%. In summary, the available evidence is currently insufficient to determine the role of this variant in disease. Therefore, it has been classified as a Variant of Uncertain Significance.